The following is an entry in ClinVar:

NM_020975.6(RET):c.1246G>T (p.Ala416Ser)

Gene: RET (ret proto-oncogene; plus strand). Cytogenetic location: 10q11.21.
Variant type: single nucleotide variant.
Coding change: c.1246G>T on transcript NM_020975.6 (MANE Select); coding-DNA position 1246, G replaced by T.
Protein change: p.Ala416Ser; replaces alanine 416 with serine.
Molecular consequence: missense variant. On other transcripts: intron variant (18).
Genome position (GRCh38, 1-based): chr10:43,109,213, G>T. VCF-style: chr10-43109213-G-T. GRCh37 (hg19) VCF-style: chr10-43604661-G-T.
Other names: c.484G>T, p.Ala162Ser (NM_001355216.2); c.1246G>T, p.Ala416Ser (NM_001406743.1, NM_001406744.1, NM_001406759.1 and 4 more transcripts); c.1117G>T, p.Ala373Ser (NM_001406761.1, NM_001406762.1, NM_001406764.1 and 1 more transcripts); c.958G>T, p.Ala320Ser (NM_001406766.1, NM_001406767.1, NM_001406770.1); c.808G>T, p.Ala270Ser (NM_001406771.1, NM_001406773.1); c.520G>T, p.Ala174Ser (NM_001406775.1, NM_001406776.1, NM_001406777.1 and 1 more transcripts); c.256G>T, p.Ala86Ser (NM_001406784.1); c.868-1994G>T (NM_001406772.1, NM_001406769.1); and 5 more; short protein forms A174S, A373S, A162S, A270S, A416S, A86S, A320S.
Identifiers: ClinVar variation 3944708 (VCV003944708.1).
Genomic context (GRCh38, chr10:43,109,213, plus strand): 5'-TCGGTGCTGCCGGTCAGCCTGCACCTGCCCAGTACCTACTCCCTCTCCGTGAGCAGGAGG[G>T]CTCGCCGATTTGCCCAGGTGAGCCCATACCTATTGCCTGTCTGGGGAAGATTGAAAGGCC-3'
Protein context (NP_066124.1, residues 406-426): STYSLSVSRR[Ala416Ser]RRFAQIGKVC

ClinVar aggregate classification (germline): Uncertain significance (1 of 4 stars; one submission).

Conditions:
Hereditary cancer-predisposing syndrome. Also called: Tumor predisposition; Hereditary neoplastic syndrome; Hereditary Cancer Syndrome; Neoplastic Syndromes, Hereditary. Identifiers: Orphanet 140162, MedGen C0027672, MeSH D009386, MONDO:0015356.

Submission:

Ambry Genetics
Classification: Uncertain significance for Hereditary cancer-predisposing syndrome. Last evaluated: 2025-05-19. Review status: criteria provided, single submitter. Criteria: Ambry Variant Classification Scheme 2023. Collection method: clinical testing. Allele origin: germline.
Comment: The p.A416S variant (also known as c.1246G>T), located in coding exon 6 of the RET gene, results from a G to T substitution at nucleotide position 1246. The alanine at codon 416 is replaced by serine, an amino acid with similar properties. This amino acid position is conserved. In addition, the in silico prediction for this alteration is inconclusive. Based on the available evidence, the clinical significance of this variant remains unclear.